The following is an entry in ClinVar:

NM_001556.3(IKBKB):c.522T>G (p.Asp174Glu)

Gene: IKBKB (inhibitor of nuclear factor kappa B kinase subunit beta; plus strand). Cytogenetic location: 8p11.21.
Variant type: single nucleotide variant.
Coding change: c.522T>G on transcript NM_001556.3 (MANE Select); coding-DNA position 522, T replaced by G.
Protein change: p.Asp174Glu; replaces aspartic acid 174 with glutamic acid.
Molecular consequence: missense variant. On other transcripts: non-coding transcript variant (3).
Genome position (GRCh38, 1-based): chr8:42,306,387, T>G. VCF-style: chr8-42306387-T-G. GRCh37 (hg19) VCF-style: chr8-42163905-T-G.
Other names: c.330T>G, p.Asp110Glu (NM_001190720.3); c.345T>G, p.Asp115Glu (NM_001242778.2); short protein forms D174E, D115E, D110E.
Identifiers: ClinVar variation 579568 (VCV000579568.7), dbSNP rs749952717, ClinGen allele CA4731710.
Genomic context (GRCh38, chr8:42,306,387, plus strand): 5'-CTTCCTTTTGTTTTAGTTAATACACAAAATTATTGACCTAGGATATGCCAAGGAGCTGGA[T>G]CAGGGCAGTCTTTGCACATCATTCGTGGGGACCCTGCAGTACCTGGTAAGAAGTGGGCCT-3'
Protein context (NP_001547.1, residues 164-184): IIDLGYAKEL[Asp174Glu]QGSLCTSFVG

ClinVar aggregate classification (germline): Uncertain significance. Review status: criteria provided, multiple submitters, no conflicts (2 of 4 stars). 2 submissions from 2 submitters: Uncertain significance (2). Last evaluated 2023-08-05.

Conditions:
Inborn genetic diseases. Identifiers: MedGen C0950123, MeSH D030342.
Severe combined immunodeficiency due to IKK2 deficiency. Also called: Immunodeficiency 15; IMMUNODEFICIENCY 15B. Identifiers: Orphanet 397787, MedGen C4747743, MONDO:0014267, OMIM 615592.

Allele frequency attached by ClinVar (database versions not stated): ExAC 0.00001; gnomAD exomes 0.00001 and 0.00002; gnomAD 0.00002; TOPMed 0.00002.
gnomAD v4.1: 26 of 1,613,596 alleles (0.0016%); highest among the groups gnomAD compares: Non-Finnish European, 0.0022%; no homozygotes.

Submissions (2):

Labcorp Genetics (formerly Invitae), Labcorp
Classification: Uncertain significance for Severe combined immunodeficiency due to IKK2 deficiency. Last evaluated: 2023-08-05. Review status: criteria provided, single submitter. Criteria: Invitae Variant Classification Sherloc (09022015). Collection method: clinical testing. Allele origin: germline.
Comment: The frequency data for this variant in the population databases is considered unreliable, as metrics indicate poor data quality at this position in the gnomAD database. This sequence change replaces aspartic acid, which is acidic and polar, with glutamic acid, which is acidic and polar, at codon 174 of the IKBKB protein (p.Asp174Glu). This variant has not been reported in the literature in individuals affected with IKBKB-related conditions. In summary, the available evidence is currently insufficient to determine the role of this variant in disease. Therefore, it has been classified as a Variant of Uncertain Significance. Advanced modeling of protein sequence and biophysical properties (such as structural, functional, and spatial information, amino acid conservation, physicochemical variation, residue mobility, and thermodynamic stability) performed at Invitae indicates that this missense variant is not expected to disrupt IKBKB protein function. ClinVar contains an entry for this variant (Variation ID: 579568).

Ambry Genetics
Classification: Uncertain significance for Inborn genetic diseases. Last evaluated: 2021-07-09. Review status: criteria provided, single submitter. Criteria: Ambry Variant Classification Scheme 2023. Collection method: clinical testing. Allele origin: germline.